The following is an entry in ClinVar:

ClinVar aggregate classification (somatic clinical impact): Tier II - Potential (1 of 4 stars; one submission).

Conditions:
Medulloblastoma non-WNT/non-SHH. Identifiers: MedGen C4330667, MONDO:0850198.

gnomAD v4.1: 1 of 1,549,278 alleles (0.000065%); highest among the groups gnomAD compares: South Asian, 0.0011%; no homozygotes.

Submission:

Institute for Genomic Medicine (IGM) Clinical Laboratory, Nationwide Children's Hospital
Classification: Tier II - Potential for Medulloblastoma non-WNT/non-SHH. Assertion type: diagnostic. Clinical significance: supports diagnosis. Last evaluated: 2024-10-07. Review status: criteria provided, single submitter. Criteria: AMP/ASCO/CAP Guidelines, 2017. Collection method: clinical testing. Allele origin: somatic. Affected: yes.
Comment: Variant has Tier II (potential) clinical significance as a diagnostic inclusion criterion in medulloblastoma non-WNT/non-SHH, based on the following evidence: 1) Diagnostic significance based on multiple small studies (Evidence Level C; PMID: 28726821).

Literature cited by the submitters: PubMed 28726821.

NM_000051.4(ATM):c.6006G>T (p.Gln2002His)

Genes: ATM (ATM serine/threonine kinase; plus strand), C11orf65 (chromosome 11 open reading frame 65; minus strand). Cytogenetic location: 11q22.3.
Variant type: single nucleotide variant.
Coding change: c.6006G>T on transcript NM_000051.4 (MANE Select); coding-DNA position 6006, G replaced by T.
Protein change: p.Gln2002His; replaces glutamine 2002 with histidine.
Molecular consequence: missense variant. On other transcripts: intron variant (2).
Genome position (GRCh38, 1-based): chr11:108,312,498, G>T. VCF-style: chr11-108312498-G-T. GRCh37 (hg19) VCF-style: chr11-108183225-G-T.
Other names: c.6006G>T, p.Gln2002His (NM_001351834.2); c.641-3427C>A (NM_001330368.2); c.*39-3427C>A (NM_001351110.2); short protein forms Q2002H.
Identifiers: ClinVar variation 4530209 (VCV004530209.1).